The following is an entry in ClinVar:

NM_001114753.3(ENG):c.1643G>A (p.Ser548Asn)

Genes: ENG (endoglin; minus strand), LOC102723566 (uncharacterized LOC102723566; plus strand). Cytogenetic location: 9q34.11.
Variant type: single nucleotide variant.
Coding change: c.1643G>A on transcript NM_001114753.3 (MANE Select); coding-DNA position 1643, G replaced by A.
Protein change: p.Ser548Asn; replaces serine 548 with asparagine.
Molecular consequence: missense variant.
Genome position (GRCh38, 1-based): chr9:127,818,163, C>T on the plus strand (G>A on the coding strand, the complement: ENG is on the minus strand). VCF-style: chr9-127818163-C-T. GRCh37 (hg19) VCF-style: chr9-130580442-C-T.
Other names: c.1643G>A, p.Ser548Asn (NM_000118.4); c.1097G>A, p.Ser366Asn (NM_001278138.2); short protein forms S366N, S548N.
Identifiers: ClinVar variation 2921053 (VCV002921053.1), dbSNP rs1564452521, ClinGen allele CA374974170.
Genomic context (GRCh38, chr9:127,818,163, plus strand): 5'-GCCCAGGCCCCACTCACCTGGTCTTGAGACCCGGTCTTGGGACGCAGGGCTACCGTGCAG[C>T]TGAGGGTGCCGGTTTTGGGTATGGGTACTGTGTAGAAGTGGAGGAGGAAGCTGAAGCGCG-3'
Protein context (NP_001108225.1, residues 538-558): TVPIPKTGTL[Ser548Asn]CTVALRPKTG

ClinVar aggregate classification (germline): Uncertain significance (1 of 4 stars; one submission).

Conditions:
Telangiectasia, hereditary hemorrhagic, type 1 (HHT1). Also called: Osler Weber Rendu syndrome type 1; ENG-Related Hereditary Hemorrhagic Telangiectasia. Identifiers: Orphanet 774, MedGen C4551861, MONDO:0008535, OMIM 187300. Disease mechanism: loss of function.

Submission:

ARUP Laboratories, Molecular Genetics and Genomics, ARUP Laboratories
Classification: Uncertain significance for Telangiectasia, hereditary hemorrhagic, type 1. Last evaluated: 2023-09-26. Review status: criteria provided, single submitter. Criteria: ARUP Molecular Germline Variant Investigation Process 2024. Collection method: clinical testing. Allele origin: germline.
Comment: The ENG c.1643G>A; p.Ser548Asn variant (rs1564452521), to our knowledge, is not reported in the medical literature or gene specific databases. This variant is also absent from the Genome Aggregation Database, indicating it is not a common polymorphism. Computational analyses predict that this variant is neutral (REVEL: 0.103). However, given the lack of clinical and functional data, the significance of this variant is uncertain at this time.